The following is an entry in ClinVar:

NM_002769.5(PRSS1):c.534G>C (p.Lys178Asn)

Genes: PRSS1 (serine protease 1; plus strand), TRB (T cell receptor beta locus; plus strand). Cytogenetic location: 7q34.
Variant type: single nucleotide variant.
Coding change: c.534G>C on transcript NM_002769.5 (MANE Select); coding-DNA position 534, G replaced by C.
Protein change: p.Lys178Asn; replaces lysine 178 with asparagine.
Molecular consequence: missense variant. On other transcripts: non-coding transcript variant (5).
Genome position (GRCh38, 1-based): chr7:142,752,510, G>C. VCF-style: chr7-142752510-G-C. GRCh37 (hg19) VCF-style: chr7-142460361-G-C.
Other names: short protein forms K178N.
Identifiers: ClinVar variation 1746999 (VCV001746999.3), dbSNP rs267601347, ClinGen allele CA369610279.
Genomic context (GRCh38, chr7:142,752,510, plus strand): 5'-GCAGTGCCTGGATGCTCCTGTGCTGAGCCAGGCTAAGTGTGAAGCCTCCTACCCTGGAAA[G>C]ATTACCAGCAACATGTTCTGTGTGGGCTTCCTTGAGGGAGGCAAGGATTCATGTCAGGTG-3'
Protein context (NP_002760.1, residues 168-188): QAKCEASYPG[Lys178Asn]ITSNMFCVGF

ClinVar aggregate classification (germline): Uncertain significance (1 of 4 stars; one submission).

Conditions:
Hereditary pancreatitis (PCTT). Also called: Hereditary chronic pancreatitis; PRSS1-Related Hereditary Pancreatitis. Identifiers: Orphanet 676, MedGen C0238339, MONDO:0008185, OMIM 167800.

Submission:

Ambry Genetics
Classification: Uncertain significance for Hereditary pancreatitis. Last evaluated: 2025-03-12. Review status: criteria provided, single submitter. Criteria: Ambry Variant Classification Scheme 2023. Collection method: clinical testing. Allele origin: germline.
Comment: The p.K178N variant (also known as c.534G>C), located in coding exon 4 of the PRSS1 gene, results from a G to C substitution at nucleotide position 534. The lysine at codon 178 is replaced by asparagine, an amino acid with similar properties. This amino acid position is conserved. In addition, this alteration is predicted to be tolerated by in silico analysis. Since supporting evidence is limited at this time, the clinical significance of this alteration remains unclear.